The following is an entry in ClinVar:

ClinVar aggregate classification (germline): Uncertain significance (1 of 4 stars; one submission).

Conditions:
Nephronophthisis. Also called: Juvenile Nephronophthisis. Identifiers: Orphanet 655, MedGen C0687120, MONDO:0019005, HP:0000090.

gnomAD v4.1: 1 of 1,613,952 alleles (0.000062%); no homozygotes.

Submission:

Labcorp Genetics (formerly Invitae), Labcorp
Classification: Uncertain significance for Nephronophthisis. Last evaluated: 2022-11-13. Review status: criteria provided, single submitter. Criteria: Invitae Variant Classification Sherloc (09022015). Collection method: clinical testing. Allele origin: germline.
Comment: In summary, the available evidence is currently insufficient to determine the role of this variant in disease. Therefore, it has been classified as a Variant of Uncertain Significance. Advanced modeling of protein sequence and biophysical properties (such as structural, functional, and spatial information, amino acid conservation, physicochemical variation, residue mobility, and thermodynamic stability) performed at Invitae indicates that this missense variant is not expected to disrupt NPHP3 protein function. This variant has not been reported in the literature in individuals affected with NPHP3-related conditions. This variant is not present in population databases (gnomAD no frequency). This sequence change replaces alanine, which is neutral and non-polar, with valine, which is neutral and non-polar, at codon 1184 of the NPHP3 protein (p.Ala1184Val).

NM_153240.5(NPHP3):c.3551C>T (p.Ala1184Val)

Genes: NPHP3 (nephrocystin 3; minus strand), NPHP3-ACAD11 (NPHP3-ACAD11 readthrough (NMD candidate); minus strand). Cytogenetic location: 3q22.1.
Variant type: single nucleotide variant.
Coding change: c.3551C>T on transcript NM_153240.5 (MANE Select); coding-DNA position 3551, C replaced by T.
Protein change: p.Ala1184Val; replaces alanine 1184 with valine.
Molecular consequence: missense variant. On other transcripts: non-coding transcript variant (1).
Genome position (GRCh38, 1-based): chr3:132,684,573, G>A on the plus strand (C>T on the coding strand, the complement: NPHP3 is on the minus strand). VCF-style: chr3-132684573-G-A. GRCh37 (hg19) VCF-style: chr3-132403417-G-A.
Other names: short protein forms A1184V.
Identifiers: ClinVar variation 2913173 (VCV002913173.3), dbSNP rs2530380170, ClinGen allele CA354578760.